The following is an entry in ClinVar:

ClinVar aggregate classification (germline): Uncertain significance (1 of 4 stars; one submission).

Submission:

Labcorp Genetics (formerly Invitae), Labcorp
Classification: Uncertain significance. Last evaluated: 2024-04-16. Review status: criteria provided, single submitter. Criteria: Invitae Variant Classification Sherloc (09022015). Collection method: clinical testing. Allele origin: germline.
Comment: This sequence change replaces glycine, which is neutral and non-polar, with arginine, which is basic and polar, at codon 29 of the SMARCB1 protein (p.Gly29Arg). This variant is not present in population databases (gnomAD no frequency). This missense change has been observed in individual(s) with clinical features of schwannomatosis (PMID: 22434358). ClinVar contains an entry for this variant (Variation ID: 948259). An algorithm developed to predict the effect of missense changes on protein structure and function (PolyPhen-2) suggests that this variant is likely to be disruptive. In summary, the available evidence is currently insufficient to determine the role of this variant in disease. Therefore, it has been classified as a Variant of Uncertain Significance.

Literature cited by the submitters: PubMed 22434358.

NM_003073.5(SMARCB1):c.85G>C (p.Gly29Arg)

Gene: SMARCB1 (SWI/SNF related BAF chromatin remodeling complex subunit B1; plus strand). Cytogenetic location: 22q11.23.
Variant type: single nucleotide variant.
Coding change: c.85G>C on transcript NM_003073.5 (MANE Select); coding-DNA position 85, G replaced by C.
Protein change: p.Gly29Arg; replaces glycine 29 with arginine.
Molecular consequence: missense variant.
Genome position (GRCh38, 1-based): chr22:23,787,254, G>C. VCF-style: chr22-23787254-G-C. GRCh37 (hg19) VCF-style: chr22-24129441-G-C.
Other names: c.85G>C, p.Gly29Arg (NM_001317946.2, NM_001362877.2, NM_001007468.3); short protein forms G29R.
Identifiers: ClinVar variation 948259 (VCV000948259.9), dbSNP rs774011967, ClinGen allele CA410930996.